The following is an entry in ClinVar:

NM_012154.5(AGO2):c.1807G>A (p.Ala603Thr)

Gene: AGO2 (argonaute RISC catalytic component 2; minus strand). Cytogenetic location: 8q24.3.
Variant type: single nucleotide variant.
Coding change: c.1807G>A on transcript NM_012154.5 (MANE Select); coding-DNA position 1807, G replaced by A.
Protein change: p.Ala603Thr; replaces alanine 603 with threonine.
Molecular consequence: missense variant.
Genome position (GRCh38, 1-based): chr8:140,544,245, C>T on the plus strand (G>A on the coding strand, the complement: AGO2 is on the minus strand). VCF-style: chr8-140544245-C-T. GRCh37 (hg19) VCF-style: chr8-141554344-C-T.
Other names: c.1807G>A, p.Ala603Thr (NM_001164623.3); short protein forms A603T.
Identifiers: ClinVar variation 3068451 (VCV003068451.2), dbSNP rs1564077220, ClinGen allele CA372333811.

ClinVar aggregate classification (germline): Uncertain significance (1 of 4 stars; one submission).

Conditions:
Lessel-Kreienkamp syndrome. Identifiers: MedGen C5436892, MONDO:0030897, OMIM 619149.

Allele frequency attached by ClinVar (database versions not stated): gnomAD exomes below 0.00001.
gnomAD v4.1: 4 of 1,595,292 alleles (0.00025%); highest among the groups gnomAD compares: Non-Finnish European, 0.00034%; no homozygotes.

Submission:

Institute of Human Genetics, University of Leipzig Medical Center
Classification: Uncertain significance for Lessel-Kreienkamp syndrome. Last evaluated: 2023-08-31. Review status: criteria provided, single submitter. Criteria: ACMG Guidelines, 2015. Collection method: clinical testing. Allele origin: maternal. Inheritance: Autosomal dominant inheritance. Affected: yes.
Comment: Criteria applied: PM1